The following is an entry in ClinVar:

ClinVar aggregate classification (germline): Uncertain significance (1 of 4 stars; one submission).

Conditions:
Nicolaides-Baraitser syndrome (NCBRS). Also called: Intellectual disability-sparse hair-brachydactyly syndrome; SMARCA2-Related Nicolaides-Baraitser Syndrome. Identifiers: Orphanet 3051, MedGen C1303073, MONDO:0011053, OMIM 601358.

Allele frequency attached by ClinVar (database versions not stated): gnomAD exomes below 0.00001; TOPMed below 0.00001.
gnomAD v4.1: 1 of 1,613,952 alleles (0.000062%); highest among the groups gnomAD compares: Non-Finnish European, 0.000085%; no homozygotes.

Submission:

Illumina Laboratory Services, Illumina
Classification: Uncertain significance for Nicolaides-Baraitser syndrome. Last evaluated: 2023-06-21. Review status: criteria provided, single submitter. Criteria: ICSLVariantClassificationCriteria RUGD 01 April 2020. Collection method: clinical testing. Allele origin: unknown.
Comment: The SMARCA2 c.2290A>G (p.Thr764Ala) missense variant lies in the helicase ATP-binding domain of SMARCA2. To our knowledge, this variant has not been reported in the peer-reviewed literature in individuals with neurodevelopmental phenotypes. Multiple lines of computational evidence suggest this variant may impact the gene or gene product. This variant is not observed in version 2.1.1 or version 3.1.2 of the Genome Aggregation Database. Based on the available evidence, the c.2290A>G (p.Thr764Ala) variant is classified as a variant of uncertain significance for Nicolaides-Baraitser syndrome.

NM_003070.5(SMARCA2):c.2290A>G (p.Thr764Ala)

Gene: SMARCA2 (SWI/SNF related BAF chromatin remodeling complex subunit ATPase 2; plus strand). Cytogenetic location: 9p24.3.
Variant type: single nucleotide variant.
Coding change: c.2290A>G on transcript NM_003070.5 (MANE Select); coding-DNA position 2290, A replaced by G.
Protein change: p.Thr764Ala; replaces threonine 764 with alanine.
Molecular consequence: missense variant.
Genome position (GRCh38, 1-based): chr9:2,081,937, A>G. VCF-style: chr9-2081937-A-G. GRCh37 (hg19) VCF-style: chr9-2081937-A-G.
Other names: c.2290A>G, p.Thr764Ala (NM_001289396.2, NM_001289397.2, NM_139045.4); short protein forms T764A.
Identifiers: ClinVar variation 2637963 (VCV002637963.1), dbSNP rs1821582174, ClinGen allele CA372784218.